The following is an entry in ClinVar:

ClinVar aggregate classification (germline): Uncertain significance (1 of 4 stars; one submission).

Submission:

Clinical Genomics Laboratory, Laboratory for Precision Diagnostics, University of Washington
Classification: Uncertain significance. Last evaluated: 2017-03-03. Review status: criteria provided, single submitter. Criteria: Clinical Cytogenomics Laboratory Policy on CNV Interpretation. Collection method: clinical testing. Allele origin: unknown. Affected: yes. Observed: 1 variant allele.

Literature cited by the submitters: PubMed 24203977.

GRCh37/hg19 5q12.1(chr5:59532458-59859175)x1

Genes: PART1 (prostate androgen-regulated transcript 1; plus strand), PDE4D (phosphodiesterase 4D; minus strand). Cytogenetic location: 5q12.1.
Variant type: copy number loss.
Change: copy number 1 (one copy instead of two) of chr5:59,532,458-59,859,175 (326.7 kb, GRCh37 coordinates, 1-based), cytogenetic band 5q12.1.
Identifiers: ClinVar variation 446324 (VCV000446324.4).